The following is an entry in ClinVar:

NM_001079668.3(NKX2-1):c.822C>A (p.Cys274Ter)

Genes: NKX2-1 (NK2 homeobox 1; minus strand), SFTA3 (surfactant associated 3; minus strand). Cytogenetic location: 14q13.3.
Variant type: single nucleotide variant.
Coding change: c.822C>A on transcript NM_001079668.3 (MANE Select); coding-DNA position 822, C replaced by A.
Protein change: p.Cys274Ter; replaces cysteine 274 with a stop codon.
Molecular consequence: nonsense.
Genome position (GRCh38, 1-based): chr14:36,517,662, G>T on the plus strand (C>A on the coding strand, the complement: NKX2-1 is on the minus strand). VCF-style: chr14-36517662-G-T. GRCh37 (hg19) VCF-style: chr14-36986867-G-T.
Other names: c.732C>A, p.Cys244Ter (NM_003317.4); short protein forms C244*, C274*.
Identifiers: ClinVar variation 2506926 (VCV002506926.3), dbSNP rs2139406837, ClinGen allele CA389458970.

ClinVar aggregate classification (germline): Pathogenic/Likely pathogenic. Review status: criteria provided, multiple submitters, no conflicts (2 of 4 stars). 2 submissions from 2 submitters: Pathogenic (1); Likely pathogenic (1). Last evaluated 2026-04-27.

Conditions:
Brain-lung-thyroid syndrome. Also called: Choreoathetosis, congenital hypothyroidism, and neonatal respiratory distress; Choreoathetosis, Congenital Hypothyroidism, and Neonatal Respiratory Distress Syndrome (Brain-Lung-Thyroid Syndrome); CHOREOATHETOSIS AND CONGENITAL HYPOTHYROIDISM WITH PULMONARY DYSFUNCTION. Identifiers: Orphanet 209905, MedGen C1970269, MONDO:0012593, OMIM 610978.

Submissions (2):

Dasa
Classification: Pathogenic. Last evaluated: 2026-04-27. Review status: criteria provided, single submitter. Criteria: DASA Assertion Criteria. Collection method: clinical testing. Allele origin: germline.
Comment: NM_001079668.3(NKX2-1):c.822C>A (p.Cys274*) introduces a premature termination codon predicted to result in loss of normal protein function. Loss-of-function is an established mechanism of disease for this gene. This variant has been reported in individuals with related phenotype (PMID: 37694681). The variant is present at low frequency in population datasets. Based on the available data, this variant is classified as pathogenic.

Molecular Diagnostics Lab, Nemours Children's Health, Delaware
Classification: Likely pathogenic for Brain-lung-thyroid syndrome. Last evaluated: 2020-02-11. Review status: criteria provided, single submitter. Criteria: ACMG Guidelines, 2015. Collection method: clinical testing. Allele origin: unknown. Inheritance: Autosomal dominant inheritance. Affected: yes. Observed: 1 heterozygote.

Literature cited by the submitters: PubMed 37694681 (cited by Dasa).